The following is an entry in ClinVar:

NM_001377.3(DYNC2H1):c.5177G>A (p.Arg1726Gln)

Gene: DYNC2H1 (dynein cytoplasmic 2 heavy chain 1; plus strand). Cytogenetic location: 11q22.3.
Variant type: single nucleotide variant.
Coding change: c.5177G>A on transcript NM_001377.3 (MANE Select); coding-DNA position 5177, G replaced by A.
Protein change: p.Arg1726Gln; replaces arginine 1726 with glutamine.
Molecular consequence: missense variant.
Genome position (GRCh38, 1-based): chr11:103,170,911, G>A. VCF-style: chr11-103170911-G-A. GRCh37 (hg19) VCF-style: chr11-103041640-G-A.
Other names: c.5177G>A, p.Arg1726Gln (NM_001080463.2); short protein forms R1726Q.
Identifiers: ClinVar variation 302041 (VCV000302041.19), dbSNP rs564701277, ClinGen allele CA6253719.
Genomic context (GRCh38, chr11:103,170,911, plus strand): 5'-TTTTAATGACTATAATTTTTATTGTTGTTTTTAAGGGCATCGATGTGAAGTCAATGGGAC[G>A]AATATTTGTTGGTTTGGTGAAGTGTGGGGCCTGGGGTTGTTTTGATGAATTTAATAGGCT-3'
Protein context (NP_001368.2, residues 1716-1736): DEGIDVKSMG[Arg1726Gln]IFVGLVKCGA

ClinVar aggregate classification (germline): Conflicting classifications of pathogenicity. Review status: criteria provided, conflicting classifications (1 of 4 stars). 4 submissions from 4 submitters: Uncertain significance (1); Likely benign (2). 1 of the submissions does not count toward it. Last evaluated 2026-01-24.

Conditions:
DYNC2H1-related disorder. Also called: DYNC2H1-related condition; DYNC2H1-related disorders. Identifiers: MedGen CN378770.
Jeune thoracic dystrophy. Also called: Infantile thoracic dystrophy; Thoracic pelvic phalangeal dystrophy; Jeune's syndrome; Chondroectodermal dysplasia-like syndrome; Short-rib thoracic dysplasia; Jeune syndrome. Identifiers: Orphanet 474, MedGen C0265275, MONDO:0018770.
Asphyxiating thoracic dystrophy 3. Also called: SHORT-RIB THORACIC DYSPLASIA 3 WITH OR WITHOUT POLYDACTYLY; POLYDACTYLY WITH NEONATAL CHONDRODYSTROPHY, TYPE I; SHORT-RIB THORACIC DYSPLASIA 3/6 WITH POLYDACTYLY, DIGENIC; Short rib polydactyly syndrome 2B; Saldino-Noonan Syndrome. Identifiers: Orphanet 474, Orphanet 93269, Orphanet 93270, Orphanet 93271, MedGen C0036069, MONDO:0013127, OMIM 613091.

Allele frequency attached by ClinVar (database versions not stated): gnomAD 0.00012 and 0.00018; gnomAD exomes 0.00014 and 0.00054; TOPMed 0.00021; 1000 Genomes Project 0.00040; ExAC 0.00052; 1000 Genomes Project 30x 0.00109.
gnomAD v4.1: 236 of 1,575,518 alleles (0.015%); highest among the groups gnomAD compares: East Asian, 0.34%; 2 homozygotes.

Submissions (4):

Labcorp Genetics (formerly Invitae), Labcorp
Classification: Likely benign for Jeune thoracic dystrophy. Last evaluated: 2026-01-24. Review status: criteria provided, single submitter. Criteria: Invitae Variant Classification Sherloc (09022015). Collection method: clinical testing. Allele origin: germline.

Blueprint Genetics
Classification: Likely benign. Last evaluated: 2024-05-30. Review status: criteria provided, single submitter. Criteria: ACMG Guidelines, 2015. Collection method: clinical testing. Allele origin: germline.

Department of Pathology and Laboratory Medicine, Sinai Health System
Classification: Uncertain significance for asphyxiating thoracic dystrophy 3. Last evaluated: 2022-11-08. Review status: criteria provided, single submitter. Criteria: ACMG Guidelines, 2015. Collection method: research. Allele origin: germline.

PreventionGenetics, part of Exact Sciences
Classification: Likely benign for DYNC2H1-related condition. Last evaluated: 2020-09-09. Review status: no assertion criteria provided. Collection method: clinical testing. Allele origin: germline. Not counted in ClinVar's aggregate classification.
Comment: This variant is classified as likely benign based on ACMG/AMP sequence variant interpretation guidelines (Richards et al. 2015 PMID: 25741868, with internal and published modifications).